The following is an entry in ClinVar:

ClinVar aggregate classification (germline): Uncertain significance. Review status: criteria provided, multiple submitters, no conflicts (2 of 4 stars). 3 submissions from 3 submitters: Uncertain significance (3). Last evaluated 2024-10-24.

Conditions:
Inborn genetic diseases. Identifiers: MedGen C0950123, MeSH D030342.
Joubert syndrome. Also called: CEREBELLOPARENCHYMAL DISORDER IV; JOUBERT-BOLTSHAUSER SYNDROME; Familial aplasia of the vermis. Identifiers: Orphanet 475, MedGen C5979921, MONDO:0018772.
Meckel-Gruber syndrome. Also called: DYSENCEPHALIA SPLANCHNOCYSTICA; GRUBER SYNDROME; Dysencephalia splachnocystica. Identifiers: Orphanet 564, MedGen C0265215, MONDO:0018921.
Joubert syndrome 24 (JBTS24). Identifiers: Orphanet 475, MedGen C4084841, MONDO:0014724, OMIM 616654.
Meckel syndrome, type 8. Identifiers: Orphanet 564, MedGen C3836857, MONDO:0013482, OMIM 613885.

Allele frequency attached by ClinVar (database versions not stated): ExAC 0.00006; gnomAD 0.00006 and 0.00007; gnomAD exomes 0.00006 and 0.00008; TOPMed 0.00009; 1000 Genomes Project 30x 0.00016; 1000 Genomes Project 0.00020; ESP Exome Variant Server 0.00008.

Submissions (3):

Labcorp Genetics (formerly Invitae), Labcorp
Classification: Uncertain significance for Joubert syndrome; Meckel-Gruber syndrome. Last evaluated: 2024-10-24. Review status: criteria provided, single submitter. Criteria: Invitae Variant Classification Sherloc (09022015). Collection method: clinical testing. Allele origin: germline.
Comment: This sequence change replaces arginine, which is basic and polar, with tryptophan, which is neutral and slightly polar, at codon 200 of the TCTN2 protein (p.Arg200Trp). This variant is present in population databases (rs371559095, gnomAD 0.03%). This variant has not been reported in the literature in individuals affected with TCTN2-related conditions. ClinVar contains an entry for this variant (Variation ID: 1389295). Invitae Evidence Modeling of protein sequence and biophysical properties (such as structural, functional, and spatial information, amino acid conservation, physicochemical variation, residue mobility, and thermodynamic stability) indicates that this missense variant is not expected to disrupt TCTN2 protein function with a negative predictive value of 80%. In summary, the available evidence is currently insufficient to determine the role of this variant in disease. Therefore, it has been classified as a Variant of Uncertain Significance.

Fulgent Genetics
Classification: Uncertain significance for Meckel syndrome, type 8; Joubert syndrome 24. Last evaluated: 2024-06-10. Review status: criteria provided, single submitter. Criteria: ACMG Guidelines, 2015. Collection method: clinical testing. Allele origin: germline.

Ambry Genetics
Classification: Uncertain significance for Inborn genetic diseases. Last evaluated: 2021-10-22. Review status: criteria provided, single submitter. Criteria: Ambry Variant Classification Scheme 2023. Collection method: clinical testing. Allele origin: germline.

NM_024809.5(TCTN2):c.598C>T (p.Arg200Trp)

Gene: TCTN2 (tectonic family member 2; plus strand). Cytogenetic location: 12q24.31.
Variant type: single nucleotide variant.
Coding change: c.598C>T on transcript NM_024809.5 (MANE Select); coding-DNA position 598, C replaced by T.
Protein change: p.Arg200Trp; replaces arginine 200 with tryptophan.
Molecular consequence: missense variant.
Genome position (GRCh38, 1-based): chr12:123,686,869, C>T. VCF-style: chr12-123686869-C-T. GRCh37 (hg19) VCF-style: chr12-124171416-C-T.
Other names: c.595C>T, p.Arg199Trp (NM_001143850.3); c.598C>T (NM_024809.3); short protein forms R200W, R199W.
Identifiers: ClinVar variation 1389295 (VCV001389295.9), dbSNP rs371559095, ClinGen allele CA6860941.